The following is an entry in ClinVar:

ClinVar aggregate classification (germline): Uncertain significance (1 of 4 stars; one submission).

Allele frequency attached by ClinVar (database versions not stated): gnomAD exomes below 0.00001; ExAC 0.00001.
gnomAD v4.1: 1 of 1,613,858 alleles (0.000062%); highest among the groups gnomAD compares: Non-Finnish European, 0.000085%; no homozygotes.

Submission:

Labcorp Genetics (formerly Invitae), Labcorp
Classification: Uncertain significance. Last evaluated: 2022-01-13. Review status: criteria provided, single submitter. Criteria: Invitae Variant Classification Sherloc (09022015). Collection method: clinical testing. Allele origin: germline.
Comment: This sequence change replaces alanine, which is neutral and non-polar, with valine, which is neutral and non-polar, at codon 3877 of the USH2A protein (p.Ala3877Val). This variant is not present in population databases (gnomAD no frequency). This variant has not been reported in the literature in individuals affected with USH2A-related conditions. Algorithms developed to predict the effect of missense changes on protein structure and function output the following: SIFT: "Deleterious"; PolyPhen-2: "Benign"; Align-GVGD: "Class C55". The valine amino acid residue is found in multiple mammalian species, which suggests that this missense change does not adversely affect protein function. Algorithms developed to predict the effect of sequence changes on RNA splicing suggest that this variant may create or strengthen a splice site. In summary, the available evidence is currently insufficient to determine the role of this variant in disease. Therefore, it has been classified as a Variant of Uncertain Significance.

NM_206933.4(USH2A):c.11630C>T (p.Ala3877Val)

Gene: USH2A (usherin; minus strand). Cytogenetic location: 1q41.
Variant type: single nucleotide variant.
Coding change: c.11630C>T on transcript NM_206933.4 (MANE Select); coding-DNA position 11630, C replaced by T.
Protein change: p.Ala3877Val; replaces alanine 3877 with valine.
Molecular consequence: missense variant.
Genome position (GRCh38, 1-based): chr1:215,741,456, G>A on the plus strand (C>T on the coding strand, the complement: USH2A is on the minus strand). VCF-style: chr1-215741456-G-A. GRCh37 (hg19) VCF-style: chr1-215914798-G-A.
Other names: short protein forms A3877V.
Identifiers: ClinVar variation 1514061 (VCV001514061.5), dbSNP rs771925133, ClinGen allele CA1393659.